The following is an entry in ClinVar:

ClinVar aggregate classification (germline): Conflicting classifications of pathogenicity. Review status: criteria provided, conflicting classifications (1 of 4 stars). 5 submissions from 5 submitters: Uncertain significance (1); Benign (1); Likely benign (3). Last evaluated 2026-04-03.

Conditions:
RAI1-related disorder. Also called: RAI1-related condition.
Smith-Magenis syndrome (SMS). Also called: CHROMOSOME 17p11.2 DELETION SYNDROME. Identifiers: Orphanet 819, MedGen C0795864, MONDO:0008434, OMIM 182290.
Inborn genetic diseases. Identifiers: MedGen C0950123, MeSH D030342.

Allele frequency attached by ClinVar (database versions not stated): ExAC 0.00001; gnomAD exomes 0.00002 and 0.00005; TOPMed 0.00003; gnomAD 0.00004.
gnomAD v4.1: 77 of 1,613,866 alleles (0.0048%); highest among the groups gnomAD compares: Non-Finnish European, 0.0059%; no homozygotes.

Submissions (5):

PreventionGenetics, part of Exact Sciences
Classification: Likely benign for RAI1-related condition. Last evaluated: 2026-04-03. Review status: criteria provided, single submitter. Criteria: ACMG Guidelines, 2015. Collection method: clinical testing. Allele origin: germline.
Comment: This variant is classified as likely benign based on ACMG/AMP sequence variant interpretation guidelines (Richards et al. 2015 PMID: 25741868, with internal and published modifications).

Labcorp Genetics (formerly Invitae), Labcorp
Classification: Benign. Last evaluated: 2025-04-27. Review status: criteria provided, single submitter. Criteria: Invitae Variant Classification Sherloc (09022015). Collection method: clinical testing. Allele origin: germline.

Revvity Omics, Revvity
Classification: Uncertain significance for Smith-Magenis syndrome. Last evaluated: 2023-06-14. Review status: criteria provided, single submitter. Criteria: ACMG Guidelines, 2015. Collection method: clinical testing. Allele origin: germline.

Ambry Genetics
Classification: Likely benign for Inborn genetic diseases. Last evaluated: 2022-12-01. Review status: criteria provided, single submitter. Criteria: Ambry Variant Classification Scheme 2023. Collection method: clinical testing. Allele origin: germline.

GeneDx
Classification: Likely benign. Last evaluated: 2021-05-05. Review status: criteria provided, single submitter. Criteria: GeneDx Variant Classification Process June 2021. Collection method: clinical testing. Allele origin: germline. Affected: yes.

NM_030665.4(RAI1):c.2200G>A (p.Ala734Thr)

Gene: RAI1 (retinoic acid induced 1; plus strand). Cytogenetic location: 17p11.2.
Variant type: single nucleotide variant.
Coding change: c.2200G>A on transcript NM_030665.4 (MANE Select); coding-DNA position 2200, G replaced by A.
Protein change: p.Ala734Thr; replaces alanine 734 with threonine.
Molecular consequence: missense variant.
Genome position (GRCh38, 1-based): chr17:17,795,148, G>A. VCF-style: chr17-17795148-G-A. GRCh37 (hg19) VCF-style: chr17-17698462-G-A.
Other names: short protein forms A734T.
Identifiers: ClinVar variation 1208525 (VCV001208525.13), dbSNP rs780371904, ClinGen allele CA8418487.